The following is an entry in ClinVar:

ClinVar aggregate classification (germline): Pathogenic (1 of 4 stars; one submission).

Conditions:
Ichthyosis linearis circumflexa. Identifiers: MedGen C0265962, MONDO:0043106, HP:0025810.

Submission:

Labcorp Genetics (formerly Invitae), Labcorp
Classification: Pathogenic for Ichthyosis linearis circumflexa. Last evaluated: 2023-12-24. Review status: criteria provided, single submitter. Criteria: Invitae Variant Classification Sherloc (09022015). Collection method: clinical testing. Allele origin: germline.
Comment: This sequence change creates a premature translational stop signal (p.Glu71*) in the SPINK5 gene. It is expected to result in an absent or disrupted protein product. Loss-of-function variants in SPINK5 are known to be pathogenic (PMID: 11511292, 11841556). This variant is not present in population databases (gnomAD no frequency). This variant has not been reported in the literature in individuals affected with SPINK5-related conditions. For these reasons, this variant has been classified as Pathogenic.

Literature cited by the submitters: PubMed 11511292; PubMed 11841556.

NM_006846.4(SPINK5):c.211G>T (p.Glu71Ter)

Gene: SPINK5 (serine peptidase inhibitor Kazal type 5; plus strand). Cytogenetic location: 5q32.
Variant type: single nucleotide variant.
Coding change: c.211G>T on transcript NM_006846.4 (MANE Select); coding-DNA position 211, G replaced by T.
Protein change: p.Glu71Ter; replaces glutamic acid 71 with a stop codon.
Molecular consequence: nonsense.
Genome position (GRCh38, 1-based): chr5:148,072,149, G>T. VCF-style: chr5-148072149-G-T. GRCh37 (hg19) VCF-style: chr5-147451712-G-T.
Other names: c.211G>T, p.Glu71Ter (NM_001127698.2, NM_001127699.2); short protein forms E71*.
Identifiers: ClinVar variation 2702130 (VCV002702130.3), dbSNP rs761010013, ClinGen allele CA361888756.